The following is an entry in ClinVar:

NM_006846.4(SPINK5):c.1221-50G>A

Gene: SPINK5 (serine peptidase inhibitor Kazal type 5; plus strand). Cytogenetic location: 5q32.
Variant type: single nucleotide variant.
Coding change: c.1221-50G>A on transcript NM_006846.4 (MANE Select); 50 bases into the intron before coding-DNA position 1221, G replaced by A.
Molecular consequence: intron variant.
Genome position (GRCh38, 1-based): chr5:148,101,305, G>A. VCF-style: chr5-148101305-G-A. GRCh37 (hg19) VCF-style: chr5-147480868-G-A.
Other names: c.1221-50G>A (NM_001127698.2, NM_001127699.2).
Identifiers: ClinVar variation 1294236 (VCV001294236.4), dbSNP rs2303066, ClinGen allele CA3495514.

ClinVar aggregate classification (germline): Benign. Review status: criteria provided, multiple submitters, no conflicts (2 of 4 stars). 2 submissions from 2 submitters: Benign (2). Last evaluated 2024-01-24.

Allele frequency attached by ClinVar (database versions not stated): 1000 Genomes Project 30x 0.43067; ESP Exome Variant Server 0.43140; 1000 Genomes Project 0.43291; gnomAD 0.44154 and 0.44644; TOPMed 0.44532; gnomAD exomes 0.49234 and 0.51906; ExAC 0.50410.
gnomAD v4.1: 627,752 of 1,289,500 alleles (49%); highest among the groups gnomAD compares: Admixed American, 66%; 157,267 homozygotes.

Submissions (2):

Unidad de Genómica Garrahan, Hospital de Pediatría Garrahan
Classification: Benign. Last evaluated: 2024-01-24. Review status: criteria provided, single submitter. Criteria: ACMG Guidelines, 2015. Collection method: clinical testing. Allele origin: germline. Affected: no. Observed: 27 variant alleles.
Comment: This variant is classified as Benign based on local population frequency. This variant was detected in 31% of patients studied by a panel of primary immunodeficiencies. Number of patients: 27. Only high quality variants are reported.

GeneDx
Classification: Benign. Last evaluated: 2015-03-03. Review status: criteria provided, single submitter. Criteria: GeneDx Variant Classification Process June 2021. Collection method: clinical testing. Allele origin: germline. Affected: yes.